The following is an entry in ClinVar:

ClinVar aggregate classification (germline): Uncertain significance (1 of 4 stars; one submission).

Conditions:
Hereditary cancer-predisposing syndrome. Also called: Neoplastic Syndromes, Hereditary; Tumor predisposition; Hereditary neoplastic syndrome; Hereditary Cancer Syndrome. Identifiers: Orphanet 140162, MedGen C0027672, MeSH D009386, MONDO:0015356.

Submission:

Ambry Genetics
Classification: Uncertain significance for Hereditary cancer-predisposing syndrome. Last evaluated: 2026-07-06. Review status: criteria provided, single submitter. Criteria: Ambry Variant Classification Scheme 2023. Collection method: clinical testing. Allele origin: germline.
Comment: The p.E689K variant (also known as c.2065G>A), located in coding exon 13 of the CDH1 gene, results from a G to A substitution at nucleotide position 2065. The glutamic acid at codon 689 is replaced by lysine, an amino acid with similar properties. This amino acid position is conserved. In addition, this alteration is predicted to be tolerated by in silico analysis. Based on the available evidence, the clinical significance of this variant remains unclear.

NM_004360.5(CDH1):c.2065G>A (p.Glu689Lys)

Gene: CDH1 (cadherin 1; plus strand). Cytogenetic location: 16q22.1.
Variant type: single nucleotide variant.
Coding change: c.2065G>A on transcript NM_004360.5 (MANE Select); coding-DNA position 2065, G replaced by A.
Protein change: p.Glu689Lys; replaces glutamic acid 689 with lysine.
Molecular consequence: missense variant.
Genome position (GRCh38, 1-based): chr16:68,823,527, G>A. VCF-style: chr16-68823527-G-A. GRCh37 (hg19) VCF-style: chr16-68857430-G-A.
Other names: c.1882G>A, p.Glu628Lys (NM_001317184.2); c.517G>A, p.Glu173Lys (NM_001317185.2); c.100G>A, p.Glu34Lys (NM_001317186.2); short protein forms E173K, E628K, E689K, E34K.
Identifiers: ClinVar variation 5033913 (VCV005033913.1).